The following is an entry in ClinVar:

NM_138413.4(HOGA1):c.834G>T (p.Ala278=)

Gene: HOGA1 (4-hydroxy-2-oxoglutarate aldolase 1; plus strand). Cytogenetic location: 10q24.2.
Variant type: single nucleotide variant.
Coding change: c.834G>T on transcript NM_138413.4 (MANE Select); coding-DNA position 834, G replaced by T.
Protein change: p.Ala278=; no amino-acid change (alanine 278 retained).
Molecular consequence: synonymous variant.
Genome position (GRCh38, 1-based): chr10:97,601,990, G>T. VCF-style: chr10-97601990-G-T. GRCh37 (hg19) VCF-style: chr10-99361747-G-T.
Other names: c.345G>T, p.Ala115= (NM_001134670.2).
Identifiers: ClinVar variation 879961 (VCV000879961.4), dbSNP rs770050262, ClinGen allele CA5634256.
Genomic context (GRCh38, chr10:97,601,990, plus strand): 5'-CACGGGGCAATGGGAAGATGCCCAGAAACTGCAGCACCGCCTCATTGAGCCAAACGCTGC[G>T]GTGAGCCAGTGGCAGCGGGGGCGCGGCCTGGCGGGGGGTGGGCAGTCTGTGTCCTCATTG-3'
Protein context (NP_612422.2, residues 268-288): LQHRLIEPNA[Ala278=]VTRRFGIPGL

ClinVar aggregate classification (germline): Uncertain significance (1 of 4 stars; one submission).

Conditions:
Primary hyperoxaluria type 3. Also called: PH III. Identifiers: Orphanet 416, Orphanet 93600, MedGen C3150878, MONDO:0013327, OMIM 613616. Disease mechanism: loss of function.

Allele frequency attached by ClinVar (database versions not stated): TOPMed 0.00006.
gnomAD v4.1: 24 of 1,611,416 alleles (0.0015%); highest among the groups gnomAD compares: East Asian, 0.036%; no homozygotes.

Submission:

Illumina Laboratory Services, Illumina
Classification: Uncertain significance for Primary hyperoxaluria type 3. Last evaluated: 2017-04-27. Review status: criteria provided, single submitter. Criteria: ICSL Variant Classification Criteria 13 December 2019. Collection method: clinical testing. Allele origin: germline.
Comment: This variant was observed as part of a predisposition screen in an ostensibly healthy population. A literature search was performed for the gene, cDNA change, and amino acid change (where applicable). Publications were found based on this search. However, the evidence from the literature, in combination with allele frequency data from public databases where available, was not sufficient to rule this variant in or out of causing disease. Therefore, this variant is classified as a variant of unknown significance.

Literature cited by the submitters: PubMed 26340091.